The following is an entry in ClinVar:

NM_007215.4(POLG2):c.1111-20dup

Genes: POLG2 (DNA polymerase gamma 2, accessory subunit; minus strand), MILR1 (mast cell immunoglobulin like receptor 1; plus strand). Cytogenetic location: 17q23.3.
Variant type: Duplication.
Coding change: c.1111-20dup on transcript NM_007215.4 (MANE Select); 20 bases into the intron before coding-DNA position 1111, one base duplicated (C; older notation c.1111-20dupC).
Molecular consequence: intron variant.
Genome position (GRCh38, 1-based): chr17:64,483,015, G duplicated on the plus strand (C on the coding strand, the reverse complement: POLG2 is on the minus strand); the first of 5 consecutive G bases (chr17:64,483,015-64,483,019); duplicating any one gives the same sequence. VCF-style (leftmost placement, unchanged base first): chr17-64483014-T-TG. GRCh37 (hg19) VCF-style: chr17-62479131-T-TG.
Other names: c.1111-16dupC (NM_007215.3).
Identifiers: ClinVar variation 420439 (VCV000420439.8), dbSNP rs1555666811, ClinGen allele CA16620557.
Genomic context (GRCh38, chr17:64,483,014, plus strand): 5'-CCAAAGCAACCTTAATAGGGGCTAAACAAGGGTGAAGTTTAAGTACCTAAGGCAATTAAA[T>TG]GGGGGAGGGAGAAGACAGGAAAGGGGAAAAAGCATAGTTTGTTTAAATATAACACAAGTT-3'

ClinVar aggregate classification (germline): Benign/Likely benign. Review status: criteria provided, multiple submitters, no conflicts (2 of 4 stars). 2 submissions from 2 submitters: Benign (1); Likely benign (1). Last evaluated 2025-05-21.

Submissions (2):

Labcorp Genetics (formerly Invitae), Labcorp
Classification: Benign. Last evaluated: 2025-05-21. Review status: criteria provided, single submitter. Criteria: Invitae Variant Classification Sherloc (09022015). Collection method: clinical testing. Allele origin: germline.

GeneDx
Classification: Likely benign. Last evaluated: 2016-02-23. Review status: criteria provided, single submitter. Criteria: GeneDx Variant Classification (06012015). Collection method: clinical testing. Allele origin: germline. Affected: yes.
Comment: This variant is considered likely benign or benign based on one or more of the following criteria: it is a conservative change, it occurs at a poorly conserved position in the protein, it is predicted to be benign by multiple in silico algorithms, and/or has population frequency not consistent with disease.